The following is an entry in ClinVar:

ClinVar aggregate classification (germline): Likely benign. Review status: criteria provided, multiple submitters, no conflicts (2 of 4 stars). 4 submissions from 4 submitters: Likely benign (3). 1 of the submissions does not count toward it. Last evaluated 2026-01-12.

Conditions:
Inborn genetic diseases. Identifiers: MedGen C0950123, MeSH D030342.
PCLO-related disorder. Also called: PCLO-related condition.

Allele frequency attached by ClinVar (database versions not stated): gnomAD exomes 0.00005 and 0.00025; TOPMed 0.00025; gnomAD 0.00026 and 0.00028; 1000 Genomes Project 30x 0.00047; ExAC 0.00054; 1000 Genomes Project 0.00060.

Submissions (4):

Labcorp Genetics (formerly Invitae), Labcorp
Classification: Likely benign. Last evaluated: 2026-01-12. Review status: criteria provided, single submitter. Criteria: Invitae Variant Classification Sherloc (09022015). Collection method: clinical testing. Allele origin: germline.

Blueprint Genetics
Classification: Likely benign. Last evaluated: 2024-11-01. Review status: criteria provided, single submitter. Criteria: ACMG Guidelines, 2015. Collection method: clinical testing. Allele origin: germline.

Ambry Genetics
Classification: Likely benign for Inborn genetic diseases. Last evaluated: 2022-11-21. Review status: criteria provided, single submitter. Criteria: Ambry Variant Classification Scheme 2023. Collection method: clinical testing. Allele origin: germline.

PreventionGenetics, part of Exact Sciences
Classification: Likely benign for PCLO-related condition. Last evaluated: 2024-01-21. Review status: no assertion criteria provided. Collection method: clinical testing. Allele origin: germline. Not counted in ClinVar's aggregate classification.
Comment: This variant is classified as likely benign based on ACMG/AMP sequence variant interpretation guidelines (Richards et al. 2015 PMID: 25741868, with internal and published modifications).

NM_033026.6(PCLO):c.212T>C (p.Val71Ala)

Gene: PCLO (piccolo presynaptic cytomatrix protein; minus strand). Cytogenetic location: 7q21.11.
Variant type: single nucleotide variant.
Coding change: c.212T>C on transcript NM_033026.6 (MANE Select); coding-DNA position 212, T replaced by C.
Protein change: p.Val71Ala; replaces valine 71 with alanine.
Molecular consequence: missense variant.
Genome position (GRCh38, 1-based): chr7:83,162,381, A>G on the plus strand (T>C on the coding strand, the complement: PCLO is on the minus strand). VCF-style: chr7-83162381-A-G. GRCh37 (hg19) VCF-style: chr7-82791697-A-G.
Other names: c.212T>C, p.Val71Ala (NM_014510.3); short protein forms V71A.
Identifiers: ClinVar variation 720810 (VCV000720810.14), dbSNP rs370728784, ClinGen allele CA4321735.